The following is an entry in ClinVar:

ClinVar aggregate classification (germline): Pathogenic (1 of 4 stars; one submission).

Conditions:
Inborn genetic diseases. Identifiers: MedGen C0950123, MeSH D030342.

Submission:

Ambry Genetics
Classification: Pathogenic for Inborn genetic diseases. Last evaluated: 2025-05-12. Review status: criteria provided, single submitter. Criteria: Ambry Variant Classification Scheme 2023. Collection method: clinical testing. Allele origin: germline.
Comment: The c.5341dupA (p.R1781Kfs*16) alteration, located in exon 9 (coding exon 7) of the ANKRD11 gene, consists of a duplication of A at position 5341, causing a translational frameshift with a predicted alternate stop codon after 16 amino acids. This alteration is expected to result in loss of function by premature protein truncation or nonsense-mediated mRNA decay. This variant was not reported in population-based cohorts in the Genome Aggregation Database (gnomAD). Based on the available evidence, this alteration is classified as pathogenic.

NM_013275.6(ANKRD11):c.5341dup (p.Arg1781fs)

Gene: ANKRD11 (ankyrin repeat domain containing 11; minus strand). Cytogenetic location: 16q24.3.
Variant type: Duplication.
Coding change: c.5341dup on transcript NM_013275.6 (MANE Select); coding-DNA position 5341, one base duplicated (A; older notation c.5341dupA).
Protein change: p.Arg1781fs; shifts the reading frame from arginine 1781.
Molecular consequence: frameshift variant.
Genome position (GRCh38, 1-based): chr16:89,281,201, T duplicated on the plus strand (A on the coding strand, the reverse complement: ANKRD11 is on the minus strand). VCF-style (leftmost placement, unchanged base first): chr16-89281200-C-CT. GRCh37 (hg19) VCF-style: chr16-89347608-C-CT.
Other names: c.5341dup, p.Arg1781fs (NM_001256182.2, NM_001256183.2); short protein forms R1781fs.
Identifiers: ClinVar variation 4054100 (VCV004054100.1).